The following is an entry in ClinVar:

NM_006080.3(SEMA3A):c.-9G>A

Gene: SEMA3A (semaphorin 3A; minus strand). Cytogenetic location: 7q21.11.
Variant type: single nucleotide variant.
Coding change: c.-9G>A on transcript NM_006080.3 (MANE Select); 9 bases upstream of the start codon, G replaced by A.
Molecular consequence: 5 prime UTR variant.
Genome position (GRCh38, 1-based): chr7:84,194,595, C>T on the plus strand (G>A on the coding strand, the complement: SEMA3A is on the minus strand). VCF-style: chr7-84194595-C-T. GRCh37 (hg19) VCF-style: chr7-83823911-C-T.
Identifiers: ClinVar variation 3054155 (VCV003054155.2), dbSNP rs372888867, ClinGen allele CA4323142.

ClinVar aggregate classification (germline): Likely benign (0 of 4 stars; one submission).

Conditions:
SEMA3A-related disorder. Also called: SEMA3A-related condition.

Allele frequency attached by ClinVar (database versions not stated): ExAC 0.00002; gnomAD 0.00002; gnomAD exomes 0.00002; TOPMed 0.00002; ESP Exome Variant Server 0.00008.
gnomAD v4.1: 36 of 1,531,568 alleles (0.0024%); highest among the groups gnomAD compares: Non-Finnish European, 0.0032%; 1 homozygote.

Submission:

PreventionGenetics, part of Exact Sciences
Classification: Likely benign for SEMA3A-related condition. Last evaluated: 2023-01-20. Review status: no assertion criteria provided. Collection method: clinical testing. Allele origin: germline.
Comment: This variant is classified as likely benign based on ACMG/AMP sequence variant interpretation guidelines (Richards et al. 2015 PMID: 25741868, with internal and published modifications).